The following is an entry in ClinVar:

ClinVar aggregate classification (germline): Uncertain significance (1 of 4 stars; one submission).

Conditions:
Fanconi anemia complementation group O. Also called: RAD51C-Related Fanconi Anemia. Identifiers: Orphanet 84, MedGen C3150653, MONDO:0013248, OMIM 613390.

Submission:

Labcorp Genetics (formerly Invitae), Labcorp
Classification: Uncertain significance for Fanconi anemia complementation group O. Last evaluated: 2024-04-05. Review status: criteria provided, single submitter. Criteria: Invitae Variant Classification Sherloc (09022015). Collection method: clinical testing. Allele origin: germline.
Comment: This sequence change replaces serine, which is neutral and polar, with arginine, which is basic and polar, at codon 364 of the RAD51C protein (p.Ser364Arg). This variant is not present in population databases (gnomAD no frequency). This variant has not been reported in the literature in individuals affected with RAD51C-related conditions. ClinVar contains an entry for this variant (Variation ID: 216804). An algorithm developed to predict the effect of missense changes on protein structure and function (PolyPhen-2) suggests that this variant is likely to be tolerated. In summary, the available evidence is currently insufficient to determine the role of this variant in disease. Therefore, it has been classified as a Variant of Uncertain Significance.

NM_058216.3(RAD51C):c.1092C>G (p.Ser364Arg)

Gene: RAD51C (RAD51 paralog C; plus strand). Cytogenetic location: 17q22.
Variant type: single nucleotide variant.
Coding change: c.1092C>G on transcript NM_058216.3 (MANE Select); coding-DNA position 1092, C replaced by G.
Protein change: p.Ser364Arg; replaces serine 364 with arginine.
Molecular consequence: missense variant. On other transcripts: non-coding transcript variant (1).
Genome position (GRCh38, 1-based): chr17:58,734,183, C>G. VCF-style: chr17-58734183-C-G. GRCh37 (hg19) VCF-style: chr17-56811544-C-G.
Other names: short protein forms S364R.
Identifiers: ClinVar variation 216804 (VCV000216804.7), dbSNP rs863224805, ClinGen allele CA337067.